The following is an entry in ClinVar:

ClinVar aggregate classification (germline): Uncertain significance (1 of 4 stars; one submission).

Conditions:
Joubert syndrome 18 (JBTS18). Identifiers: Orphanet 2754, MedGen C3553758, MONDO:0013896, OMIM 614815.
Orofacial-digital syndrome IV (OFD4). Also called: BARAITSER-BURN SYNDROME; MOHR-MAJEWSKI SYNDROME; OFD SYNDROME WITH TIBIAL DEFECTS; OFD SYNDROME, BARAITSER-BURN TYPE; OFDS IV; ORAL-FACIAL-DIGITAL SYNDROME, TYPE IV. Identifiers: Orphanet 2753, MedGen C0406727, MONDO:0009794, OMIM 258860.

Submission:

Labcorp Genetics (formerly Invitae), Labcorp
Classification: Uncertain significance for Joubert syndrome 18; Orofacial-digital syndrome IV. Last evaluated: 2021-07-24. Review status: criteria provided, single submitter. Criteria: Invitae Variant Classification Sherloc (09022015). Collection method: clinical testing. Allele origin: germline.
Comment: In summary, the available evidence is currently insufficient to determine the role of this variant in disease. Therefore, it has been classified as a Variant of Uncertain Significance. This variant has not been reported in the literature in individuals affected with TCTN3-related conditions. This variant is a gross deletion of the genomic region encompassing exon(s) 13 of the TCTN3 gene. This variant would be expected to be in-frame, preserving the integrity of the reading frame.

NC_000010.10:g.(?_97440209)_(97440386_?)del

Gene: TCTN3 (tectonic family member 3; minus strand). Cytogenetic location: 10q24.1.
Variant type: Deletion.
Identifiers: ClinVar variation 1411983 (VCV001411983.4).